The following is an entry in ClinVar:

ClinVar aggregate classification (germline): Uncertain significance (1 of 4 stars; one submission).

Conditions:
Peroxisome biogenesis disorder. Identifiers: Orphanet 79189, MedGen C1832200, MONDO:0019234. Disease mechanism: loss of function.

Allele frequency attached by ClinVar (database versions not stated): gnomAD 0.00001 and 0.00002; TOPMed 0.00001.
gnomAD v4.1: 10 of 1,613,736 alleles (0.00062%); highest among the groups gnomAD compares: East Asian, 0.011%; no homozygotes.

Submission:

Labcorp Genetics (formerly Invitae), Labcorp
Classification: Uncertain significance for Peroxisome biogenesis disorder. Last evaluated: 2022-07-05. Review status: criteria provided, single submitter. Criteria: Invitae Variant Classification Sherloc (09022015). Collection method: clinical testing. Allele origin: germline.
Comment: This sequence change replaces proline, which is neutral and non-polar, with serine, which is neutral and polar, at codon 960 of the PEX6 protein (p.Pro960Ser). This variant is not present in population databases (gnomAD no frequency). This variant has not been reported in the literature in individuals affected with PEX6-related conditions. ClinVar contains an entry for this variant (Variation ID: 1381190). Algorithms developed to predict the effect of missense changes on protein structure and function are either unavailable or do not agree on the potential impact of this missense change (SIFT: "Deleterious"; PolyPhen-2: "Probably Damaging"; Align-GVGD: "Class C0"). In summary, the available evidence is currently insufficient to determine the role of this variant in disease. Therefore, it has been classified as a Variant of Uncertain Significance.

NM_000287.4(PEX6):c.2878C>T (p.Pro960Ser)

Gene: PEX6 (peroxisomal biogenesis factor 6; minus strand). Cytogenetic location: 6p21.1.
Variant type: single nucleotide variant.
Coding change: c.2878C>T on transcript NM_000287.4 (MANE Select); coding-DNA position 2878, C replaced by T.
Protein change: p.Pro960Ser; replaces proline 960 with serine.
Molecular consequence: missense variant. On other transcripts: non-coding transcript variant (1).
Genome position (GRCh38, 1-based): chr6:42,964,400, G>A on the plus strand (C>T on the coding strand, the complement: PEX6 is on the minus strand). VCF-style: chr6-42964400-G-A. GRCh37 (hg19) VCF-style: chr6-42932138-G-A.
Other names: c.2614C>T, p.Pro872Ser (NM_001316313.2); short protein forms P872S, P960S.
Identifiers: ClinVar variation 1381190 (VCV001381190.5), dbSNP rs1769644652, ClinGen allele CA364149328.